The following is an entry in ClinVar:

ClinVar aggregate classification (germline): Conflicting classifications of pathogenicity. Review status: criteria provided, conflicting classifications (1 of 4 stars). 2 submissions from 2 submitters: Likely pathogenic (1); Uncertain significance (1). Last evaluated 2026-08-07.

Conditions:
Nemaline myopathy 2 (NEM2). Also called: Nemaline myopathy 2, autosomal recessive. Identifiers: MedGen C1850569, MONDO:0009725, OMIM 256030.

gnomAD v4.1: 2 of 1,598,082 alleles (0.00013%); highest among the groups gnomAD compares: African/African-American, 0.0027%; no homozygotes.

Submissions (2):

Myriad Genetics, Inc.
Classification: Uncertain significance for Nemaline myopathy 2. Last evaluated: 2026-08-07. Review status: criteria provided, single submitter. Criteria: Myriad Autosomal Dominant, Autosomal Recessive and X-Linked Classification Criteria (2023). Collection method: clinical testing. Allele origin: unknown.
Comment: NM_001271208.1(NEB):c.19627-2A>C is a variant in a canonical splice site classified as a variant of uncertain significance in the context of NEB-related nemaline myopathy. c.19627-2A>C has not been observed in cases with relevant disease. Relevant functional assessments of this variant are not available in the literature. c.19627-2A>C has been observed in referenced population frequency databases. In summary, there is insufficient evidence to classify NM_001271208.1(NEB):c.19627-2A>C as pathogenic or benign. Please note: this variant was assessed in the context of healthy population screening.

Labcorp Genetics (formerly Invitae), Labcorp
Classification: Likely pathogenic for Nemaline myopathy 2. Last evaluated: 2025-10-08. Review status: criteria provided, single submitter. Criteria: Invitae Variant Classification Sherloc (09022015). Collection method: clinical testing. Allele origin: germline.
Comment: This sequence change affects an acceptor splice site in intron 126 of the NEB gene. It is expected to disrupt RNA splicing. Variants that disrupt the donor or acceptor splice site typically lead to a loss of protein function (PMID: 16199547), and loss-of-function variants in NEB are known to be pathogenic (PMID: 25205138). This variant is present in population databases (no rsID available, gnomAD 0.01%). This variant has not been reported in the literature in individuals affected with NEB-related conditions. Algorithms developed to predict the effect of sequence changes on RNA splicing suggest that this variant may disrupt the consensus splice site. In summary, the currently available evidence indicates that the variant is pathogenic, but additional data are needed to prove that conclusively. Therefore, this variant has been classified as Likely Pathogenic.

Literature cited by the submitters: PubMed 16199547 (cited by Labcorp Genetics (formerly Invitae), Labcorp); PubMed 25205138 (cited by Labcorp Genetics (formerly Invitae), Labcorp).

NM_001164508.2(NEB):c.19627-2A>C

Genes: NEB (nebulin; minus strand), LOC126806373 (BRD4-independent group 4 enhancer GRCh37_chr2:152410007-152411206; plus strand). Cytogenetic location: 2q23.3.
Variant type: single nucleotide variant.
Coding change: c.19627-2A>C on transcript NM_001164508.2 (MANE Select); the canonical splice acceptor site of the intron before coding-DNA position 19627, A replaced by C.
Molecular consequence: splice acceptor variant.
Genome position (GRCh38, 1-based): chr2:151,553,504, T>G on the plus strand (A>C on the coding strand, the complement: NEB is on the minus strand). VCF-style: chr2-151553504-T-G. GRCh37 (hg19) VCF-style: chr2-152410018-T-G.
Other names: c.14524-2A>C (NM_004543.5); c.19627-2A>C (NM_001164507.2, NM_001271208.2).
Identifiers: ClinVar variation 4751105 (VCV004751105.2).